The following is an entry in ClinVar:

NM_003366.4(UQCRC2):c.916A>G (p.Thr306Ala)

Genes: PDZD9 (PDZ domain containing 9), UQCRC2 (ubiquinol-cytochrome c reductase core protein 2). Cytogenetic location: 16p12.2.
Variant type: single nucleotide variant.
Coding change: c.916A>G on transcript NM_003366.4 (MANE Select); coding-DNA position 916, A replaced by G.
Protein change: p.Thr306Ala; replaces threonine 306 with alanine.
Molecular consequence: missense variant.
Genome position (GRCh38, 1-based): chr16:21,972,072, A>G. VCF-style: chr16-21972072-A-G. GRCh37 (hg19) VCF-style: chr16-21983393-A-G.
Other names: short protein forms T306A.
Identifiers: ClinVar variation 1443152 (VCV001443152.6), dbSNP rs777345989, ClinGen allele CA7953888.

ClinVar aggregate classification (germline): Uncertain significance (1 of 4 stars; one submission).

Allele frequency attached by ClinVar (database versions not stated): gnomAD exomes below 0.00001 and 0.00001; ExAC 0.00001; gnomAD 0.00003.
gnomAD v4.1: 12 of 1,613,932 alleles (0.00074%); highest among the groups gnomAD compares: African/African-American, 0.004%; no homozygotes.

Submission:

Labcorp Genetics (formerly Invitae), Labcorp
Classification: Uncertain significance. Last evaluated: 2025-05-12. Review status: criteria provided, single submitter. Criteria: Invitae Variant Classification Sherloc (09022015). Collection method: clinical testing. Allele origin: germline.
Comment: This sequence change replaces threonine, which is neutral and polar, with alanine, which is neutral and non-polar, at codon 306 of the UQCRC2 protein (p.Thr306Ala). This variant is present in population databases (rs777345989, gnomAD 0.004%). This variant has not been reported in the literature in individuals affected with UQCRC2-related conditions. ClinVar contains an entry for this variant (Variation ID: 1443152). Invitae Evidence Modeling of protein sequence and biophysical properties (such as structural, functional, and spatial information, amino acid conservation, physicochemical variation, residue mobility, and thermodynamic stability) indicates that this missense variant is not expected to disrupt UQCRC2 protein function with a negative predictive value of 80%. In summary, the available evidence is currently insufficient to determine the role of this variant in disease. Therefore, it has been classified as a Variant of Uncertain Significance.